The following is an entry in ClinVar:

ClinVar aggregate classification (germline): Uncertain significance. Review status: criteria provided, multiple submitters, no conflicts (2 of 4 stars). 2 submissions from 2 submitters: Uncertain significance (2). Last evaluated 2025-12-08.

Allele frequency attached by ClinVar (database versions not stated): gnomAD 0.00001; ExAC 0.00002; gnomAD exomes 0.00003; TOPMed 0.00003.
gnomAD v4.1: 46 of 1,561,068 alleles (0.0029%); highest among the groups gnomAD compares: Non-Finnish European, 0.004%; no homozygotes.

Submissions (2):

Labcorp Genetics (formerly Invitae), Labcorp
Classification: Uncertain significance. Last evaluated: 2025-12-08. Review status: criteria provided, single submitter. Criteria: Invitae Variant Classification Sherloc (09022015). Collection method: clinical testing. Allele origin: germline.
Comment: This sequence change replaces glutamic acid, which is acidic and polar, with glutamine, which is neutral and polar, at codon 1064 of the LARS protein (p.Glu1064Gln). This variant is present in population databases (rs760309261, gnomAD 0.003%). This variant has not been reported in the literature in individuals affected with LARS-related conditions. ClinVar contains an entry for this variant (Variation ID: 2182795). An algorithm developed to predict the effect of missense changes on protein structure and function (PolyPhen-2) suggests that this variant is likely to be tolerated. In summary, the available evidence is currently insufficient to determine the role of this variant in disease. Therefore, it has been classified as a Variant of Uncertain Significance.

Ambry Genetics
Classification: Uncertain significance. Last evaluated: 2023-06-07. Review status: criteria provided, single submitter. Criteria: Ambry Variant Classification Scheme 2023. Collection method: clinical testing. Allele origin: germline.

NM_020117.11(LARS1):c.3190G>C (p.Glu1064Gln)

Gene: LARS1 (leucyl-tRNA synthetase 1; minus strand). Cytogenetic location: 5q32.
Variant type: single nucleotide variant.
Coding change: c.3190G>C on transcript NM_020117.11 (MANE Select); coding-DNA position 3190, G replaced by C.
Protein change: p.Glu1064Gln; replaces glutamic acid 1064 with glutamine.
Molecular consequence: missense variant.
Genome position (GRCh38, 1-based): chr5:146,122,494, C>G on the plus strand (G>C on the coding strand, the complement: LARS1 is on the minus strand). VCF-style: chr5-146122494-C-G. GRCh37 (hg19) VCF-style: chr5-145502057-C-G.
Other names: c.3190G>C (NM_020117.9); c.3052G>C, p.Glu1018Gln (NM_001317964.2); c.3028G>C, p.Glu1010Gln (NM_001317965.2); c.3109G>C, p.Glu1037Gln (NM_016460.4); short protein forms E1010Q, E1037Q, E1064Q, E1018Q.
Identifiers: ClinVar variation 2182795 (VCV002182795.6), dbSNP rs760309261, ClinGen allele CA3489100.